The following is an entry in ClinVar:

NM_001734.5(C1S):c.1441A>G (p.Arg481Gly)

Gene: C1S (complement C1s; plus strand). Cytogenetic location: 12p13.31.
Variant type: single nucleotide variant.
Coding change: c.1441A>G on transcript NM_001734.5 (MANE Select); coding-DNA position 1441, A replaced by G.
Protein change: p.Arg481Gly; replaces arginine 481 with glycine.
Molecular consequence: missense variant.
Genome position (GRCh38, 1-based): chr12:7,070,025, A>G. VCF-style: chr12-7070025-A-G. GRCh37 (hg19) VCF-style: chr12-7177329-A-G.
Other names: c.940A>G, p.Arg314Gly (NM_001346850.2); c.1441A>G, p.Arg481Gly (NM_201442.4); short protein forms R314G, R481G.
Identifiers: ClinVar variation 1900143 (VCV001900143.6), dbSNP rs782817093, ClinGen allele CA6423789.
Genomic context (GRCh38, chr12:7,070,025, plus strand): 5'-GGTGGAGCGCTCATTAATGAGTACTGGGTGCTGACGGCTGCTCATGTTGTGGAGGGAAAC[A>G]GGGAGCCAACAATGTATGTTGGGTCCACCTCAGTGCAGACCTCACGGCTGGCAAAATCCA-3'
Protein context (NP_001725.1, residues 471-491): LTAAHVVEGN[Arg481Gly]EPTMYVGSTS

ClinVar aggregate classification (germline): Uncertain significance. Review status: criteria provided, multiple submitters, no conflicts (2 of 4 stars). 2 submissions from 2 submitters: Uncertain significance (2). Last evaluated 2025-09-09.

Conditions:
Inborn genetic diseases. Identifiers: MedGen C0950123, MeSH D030342.

Allele frequency attached by ClinVar (database versions not stated): gnomAD 0.00001; ExAC 0.00002; TOPMed 0.00002.

Submissions (2):

Labcorp Genetics (formerly Invitae), Labcorp
Classification: Uncertain significance. Last evaluated: 2025-09-09. Review status: criteria provided, single submitter. Criteria: Invitae Variant Classification Sherloc (09022015). Collection method: clinical testing. Allele origin: germline.
Comment: This sequence change replaces arginine, which is basic and polar, with glycine, which is neutral and non-polar, at codon 481 of the C1S protein (p.Arg481Gly). This variant is present in population databases (rs782817093, gnomAD 0.003%). This variant has not been reported in the literature in individuals affected with C1S-related conditions. ClinVar contains an entry for this variant (Variation ID: 1900143). Invitae Evidence Modeling of protein sequence and biophysical properties (such as structural, functional, and spatial information, amino acid conservation, physicochemical variation, residue mobility, and thermodynamic stability) indicates that this missense variant is not expected to disrupt C1S protein function with a negative predictive value of 80%. In summary, the available evidence is currently insufficient to determine the role of this variant in disease. Therefore, it has been classified as a Variant of Uncertain Significance.

Ambry Genetics
Classification: Uncertain significance for Inborn genetic diseases. Last evaluated: 2021-08-16. Review status: criteria provided, single submitter. Criteria: Ambry Variant Classification Scheme 2023. Collection method: clinical testing. Allele origin: germline.